The following is an entry in ClinVar:

ClinVar aggregate classification (germline): Benign/Likely benign. Review status: criteria provided, multiple submitters, no conflicts (2 of 4 stars). 4 submissions from 4 submitters: Benign (1); Likely benign (3). Last evaluated 2025-02-20.

Conditions:
Hereditary cancer-predisposing syndrome. Also called: Hereditary neoplastic syndrome; Hereditary Cancer Syndrome; Tumor predisposition; Neoplastic Syndromes, Hereditary. Identifiers: Orphanet 140162, MedGen C0027672, MeSH D009386, MONDO:0015356.
Breast-ovarian cancer, familial, susceptibility to, 4. Identifiers: Orphanet 145, MedGen C3280345, MONDO:0013669, OMIM 614291.

Submissions (4):

Myriad Genetics, Inc.
Classification: Benign for Breast-ovarian cancer, familial, susceptibility to, 4. Last evaluated: 2025-02-20. Review status: criteria provided, single submitter. Criteria: Myriad Autosomal Dominant, Autosomal Recessive and X-Linked Classification Criteria (2023). Collection method: clinical testing. Allele origin: unknown.
Comment: This variant is considered benign. This variant is a silent/synonymous amino acid change and it is not expected to impact splicing.

Labcorp Genetics (formerly Invitae), Labcorp
Classification: Likely benign for Breast-ovarian cancer, familial, susceptibility to, 4. Last evaluated: 2024-12-22. Review status: criteria provided, single submitter. Criteria: Invitae Variant Classification Sherloc (09022015). Collection method: clinical testing. Allele origin: germline.

Ambry Genetics
Classification: Likely benign for Hereditary cancer-predisposing syndrome. Last evaluated: 2022-06-17. Review status: criteria provided, single submitter. Criteria: Ambry Variant Classification Scheme 2023. Collection method: clinical testing. Allele origin: germline.

Color Diagnostics, LLC DBA Color Health
Classification: Likely benign for Hereditary cancer-predisposing syndrome. Last evaluated: 2017-10-23. Review status: criteria provided, single submitter. Criteria: ACMG Guidelines, 2015. Collection method: clinical testing. Allele origin: germline.

NM_002878.4(RAD51D):c.114G>A (p.Glu38=)

Genes: RAD51D (RAD51 paralog D; minus strand), RAD51L3-RFFL (RAD51L3-RFFL readthrough; minus strand). Cytogenetic location: 17q12.
Variant type: single nucleotide variant.
Coding change: c.114G>A on transcript NM_002878.4 (MANE Select); coding-DNA position 114, G replaced by A.
Protein change: p.Glu38=; no amino-acid change (glutamic acid 38 retained).
Molecular consequence: synonymous variant. On other transcripts: non-coding transcript variant (2).
Genome position (GRCh38, 1-based): chr17:35,119,141, C>T on the plus strand (G>A on the coding strand, the complement: RAD51D is on the minus strand). VCF-style: chr17-35119141-C-T. GRCh37 (hg19) VCF-style: chr17-33446160-C-T.
Other names: c.114G>A, p.Glu38= (NM_001142571.2, NM_133629.3).
Identifiers: ClinVar variation 1138836 (VCV001138836.14), dbSNP rs2142477518, ClinGen allele CA499732404.
Genomic context (GRCh38, chr17:35,119,141, plus strand): 5'-AGGTTTGGAATGTGGAGATCAGGAGCTCACCTTGTAAGACAAGCCACATTTCTGAGCTAC[C>T]TCTTCCAGGTCTGCAGAAACCAGGTCCACCACTGAAAACAAAACACGTATAGCGGATTGG-3'
Protein context (NP_002869.3, residues 28-48): VVDLVSADLE[Glu38=]VAQKCGLSYK